The following is an entry in ClinVar:

NM_001372051.1(CASP8):c.92C>T (p.Pro31Leu)

Gene: CASP8 (caspase 8; plus strand). Cytogenetic location: 2q33.1.
Variant type: single nucleotide variant.
Coding change: c.92C>T on transcript NM_001372051.1 (MANE Select); coding-DNA position 92, C replaced by T.
Protein change: p.Pro31Leu; replaces proline 31 with leucine.
Molecular consequence: missense variant. On other transcripts: non-coding transcript variant (22), intron variant (3), 5 prime UTR variant (9).
Genome position (GRCh38, 1-based): chr2:201,266,578, C>T. VCF-style: chr2-201266578-C-T. GRCh37 (hg19) VCF-style: chr2-202131301-C-T.
Other names: c.-4-4938C>T (NM_001400669.1); c.-227-4938C>T (NM_001400672.1, NM_001400675.1); c.92C>T, p.Pro31Leu (NM_001080124.2, NM_001228.5, NM_001400645.1 and 21 more transcripts); c.269C>T, p.Pro90Leu (NM_001080125.2, NM_001400642.1, NM_001400665.1); c.-441C>T (NM_001400671.1, NM_001400673.1, NM_001400676.1 and 4 more transcripts); c.-622C>T (NM_001400674.1); c.-520C>T (NM_001400680.1); short protein forms P31L, P90L.
Identifiers: ClinVar variation 1025842 (VCV001025842.9), dbSNP rs748087575, ClinGen allele CA2053443.
Genomic context (GRCh38, chr2:201,266,578, plus strand): 5'-GGGAACAACTGGACAGTGAAGATCTGGCCTCCCTCAAGTTCCTGAGCCTGGACTACATTC[C>T]GCAAAGGAAGCAAGAACCCATCAAGGATGCCTTGATGTTATTCCAGAGACTCCAGGAAAA-3'
Protein context (NP_001358980.1, residues 21-41): SLKFLSLDYI[Pro31Leu]QRKQEPIKDA

ClinVar aggregate classification (germline): Uncertain significance (1 of 4 stars; one submission).

Conditions:
Autoimmune lymphoproliferative syndrome type 2B. Also called: AUTOIMMUNE LYMPHOPROLIFERATIVE SYNDROME, TYPE IIB. Identifiers: Orphanet 275517, MedGen C1846545, MONDO:0011804, OMIM 607271.

Allele frequency attached by ClinVar (database versions not stated): gnomAD exomes 0.00001 and 0.00002; ExAC 0.00002.
gnomAD v4.1: 25 of 1,614,170 alleles (0.0015%); highest among the groups gnomAD compares: East Asian, 0.0045%; no homozygotes.

Submission:

Labcorp Genetics (formerly Invitae), Labcorp
Classification: Uncertain significance for Autoimmune lymphoproliferative syndrome type 2B. Last evaluated: 2022-05-13. Review status: criteria provided, single submitter. Criteria: Invitae Variant Classification Sherloc (09022015). Collection method: clinical testing. Allele origin: germline.
Comment: In summary, the available evidence is currently insufficient to determine the role of this variant in disease. Therefore, it has been classified as a Variant of Uncertain Significance. This sequence change replaces proline, which is neutral and non-polar, with leucine, which is neutral and non-polar, at codon 31 of the CASP8 protein (p.Pro31Leu). This variant is present in population databases (rs748087575, gnomAD 0.006%). This missense change has been observed in individual(s) with very early onset inflammatory bowel disease (PMID: 26193622). This variant is also known as c.269C>T, p.Pro90Leu. ClinVar contains an entry for this variant (Variation ID: 1025842). Algorithms developed to predict the effect of missense changes on protein structure and function are either unavailable or do not agree on the potential impact of this missense change (SIFT: "Tolerated"; PolyPhen-2: "Probably Damaging"; Align-GVGD: "Class C0").

Literature cited by the submitters: PubMed 26193622.